The following is an entry in ClinVar:

ClinVar aggregate classification (germline): Uncertain significance (1 of 4 stars; one submission).

Conditions:
Pierpont syndrome (PRPTS). Identifiers: Orphanet 487825, MedGen C1865644, MONDO:0011213, OMIM 602342.

Allele frequency attached by ClinVar (database versions not stated): gnomAD exomes below 0.00001; TOPMed below 0.00001; ExAC 0.00001; gnomAD 0.00001.
gnomAD v4.1: 2 of 1,613,218 alleles (0.00012%); highest among the groups gnomAD compares: Non-Finnish European, 0.00017%; no homozygotes.

Submission:

Labcorp Genetics (formerly Invitae), Labcorp
Classification: Uncertain significance for Pierpont syndrome. Last evaluated: 2019-03-08. Review status: criteria provided, single submitter. Criteria: Invitae Variant Classification Sherloc (09022015). Collection method: clinical testing. Allele origin: germline.
Comment: This variant has not been reported in the literature in individuals with TBL1XR1-related conditions. The frequency data for this variant in the population databases is considered unreliable, as metrics indicate poor data quality at this position in the ExAC database. This sequence change replaces asparagine with aspartic acid at codon 234 of the TBL1XR1 protein (p.Asn234Asp). The asparagine residue is highly conserved and there is a small physicochemical difference between asparagine and aspartic acid. Algorithms developed to predict the effect of missense changes on protein structure and function (SIFT, PolyPhen-2, Align-GVGD) all suggest that this variant is likely to be tolerated, but these predictions have not been confirmed by published functional studies and their clinical significance is uncertain. In summary, the available evidence is currently insufficient to determine the role of this variant in disease. Therefore, it has been classified as a Variant of Uncertain Significance.

NM_024665.7(TBL1XR1):c.700A>G (p.Asn234Asp)

Gene: TBL1XR1 (TBL1X/Y related 1; minus strand). Cytogenetic location: 3q26.32.
Variant type: single nucleotide variant.
Coding change: c.700A>G on transcript NM_024665.7 (MANE Select); coding-DNA position 700, A replaced by G.
Protein change: p.Asn234Asp; replaces asparagine 234 with aspartic acid.
Molecular consequence: missense variant.
Genome position (GRCh38, 1-based): chr3:177,049,999, T>C on the plus strand (A>G on the coding strand, the complement: TBL1XR1 is on the minus strand). VCF-style: chr3-177049999-T-C. GRCh37 (hg19) VCF-style: chr3-176767787-T-C.
Other names: c.700A>G, p.Asn234Asp (NM_001321193.3, NM_001321194.3, NM_001374327.1 and 2 more transcripts); c.439A>G, p.Asn147Asp (NM_001321195.3, NM_001374330.1); short protein forms N147D, N234D.
Identifiers: ClinVar variation 861996 (VCV000861996.9), dbSNP rs752153431, ClinGen allele CA2709924.